The following is an entry in ClinVar:

ClinVar aggregate classification (germline): Benign. Review status: criteria provided, multiple submitters, no conflicts (2 of 4 stars). 4 submissions from 4 submitters: Benign (4). Last evaluated 2021-07-10.

Conditions:
Hepatoencephalopathy due to combined oxidative phosphorylation defect type 1. Also called: HEPATOENCEPHALOPATHY, EARLY FATAL PROGRESSIVE. Identifiers: Orphanet 137681, MedGen C1836797, MONDO:0012191, OMIM 609060.

Allele frequency attached by ClinVar (database versions not stated): 1000 Genomes Project 30x 0.14397; 1000 Genomes Project 0.14736; ESP Exome Variant Server 0.15598; TOPMed 0.17607; gnomAD 0.17657 and 0.17766; gnomAD exomes 0.18051; ExAC 0.20441.
gnomAD v4.1: 315,257 of 1,544,880 alleles (20%); highest among the groups gnomAD compares: Non-Finnish European, 22%; 33,214 homozygotes.

Submissions (4):

Genome-Nilou Lab
Classification: Benign for Hepatoencephalopathy due to combined oxidative phosphorylation defect type 1. Last evaluated: 2021-07-10. Review status: criteria provided, single submitter. Criteria: ACMG Guidelines, 2015. Collection method: clinical testing. Allele origin: germline. Affected: no.

Illumina Laboratory Services, Illumina
Classification: Benign for Hepatoencephalopathy due to combined oxidative phosphorylation defect type 1. Last evaluated: 2018-01-13. Review status: criteria provided, single submitter. Criteria: ICSL Variant Classification Criteria 13 December 2019. Collection method: clinical testing. Allele origin: germline.
Comment: This variant was observed in the ICSL laboratory as part of a predisposition screen in an ostensibly healthy population. It had not been previously curated by ICSL or reported in the Human Gene Mutation Database (HGMD: prior to June 1st, 2018), and was therefore a candidate for classification through an automated scoring system. Utilizing variant allele frequency, disease prevalence and penetrance estimates, and inheritance mode, an automated score was calculated to assess if this variant is too frequent to cause the disease. Based on the score and internal cut-off values, a variant classified as benign is not then subjected to further curation. The score for this variant resulted in a classification of benign for this disease.

GeneDx
Classification: Benign. Last evaluated: 2015-03-03. Review status: criteria provided, single submitter. Criteria: GeneDx Variant Classification Process June 2021. Collection method: clinical testing. Allele origin: germline. Affected: yes.

Breakthrough Genomics
Classification: Benign. Review status: criteria provided, single submitter. Criteria: ACMG Guidelines, 2015. Collection method: not provided. Allele origin: germline. Inheritance: Autosomal recessive inheritance. Affected: yes.

NM_024996.7(GFM1):c.-33C>T

Gene: GFM1 (G elongation factor mitochondrial 1; plus strand). Cytogenetic location: 3q25.32.
Variant type: single nucleotide variant.
Coding change: c.-33C>T on transcript NM_024996.7 (MANE Select); 33 bases upstream of the start codon, C replaced by T.
Molecular consequence: 5 prime UTR variant. On other transcripts: non-coding transcript variant (4).
Genome position (GRCh38, 1-based): chr3:158,644,602, C>T. VCF-style: chr3-158644602-C-T. GRCh37 (hg19) VCF-style: chr3-158362391-C-T.
Other names: c.-33C>T (NM_001308164.2, NM_001308166.2, NM_001374355.1 and 2 more transcripts); c.-424C>T (NM_001374357.1); c.-262C>T (NM_001374359.1, NM_001374360.1, NM_001374361.1).
Identifiers: ClinVar variation 343918 (VCV000343918.11), dbSNP rs28372852, ClinGen allele CA2682172.